The following is an entry in ClinVar:

NM_015378.4(VPS13D):c.3041C>T (p.Ala1014Val)

Gene: VPS13D (vacuolar protein sorting 13 homolog D; plus strand). Cytogenetic location: 1p36.22.
Variant type: single nucleotide variant.
Coding change: c.3041C>T on transcript NM_015378.4 (MANE Select); coding-DNA position 3041, C replaced by T.
Protein change: p.Ala1014Val; replaces alanine 1014 with valine.
Molecular consequence: missense variant.
Genome position (GRCh38, 1-based): chr1:12,276,629, C>T. VCF-style: chr1-12276629-C-T. GRCh37 (hg19) VCF-style: chr1-12336686-C-T.
Other names: c.3041C>T, p.Ala1014Val (NM_018156.4); short protein forms A1014V.
Identifiers: ClinVar variation 1810099 (VCV001810099.2), dbSNP rs150807301, ClinGen allele CA601908.

ClinVar aggregate classification (germline): Uncertain significance (1 of 4 stars; one submission).

Allele frequency attached by ClinVar (database versions not stated): ExAC 0.00001; gnomAD 0.00001; TOPMed 0.00001; ESP Exome Variant Server 0.00008.

Submission:

GeneDx
Classification: Uncertain significance. Last evaluated: 2024-09-16. Review status: criteria provided, single submitter. Criteria: GeneDx Variant Classification Process June 2021. Collection method: clinical testing. Allele origin: germline. Affected: yes.
Comment: Not observed at significant frequency in large population cohorts (gnomAD); In silico analysis supports that this missense variant does not alter protein structure/function; Has not been previously published as pathogenic or benign to our knowledge